The following is an entry in ClinVar:

NM_004380.3(CREBBP):c.3676del (p.Ala1226fs)

Gene: CREBBP (CREB binding lysine acetyltransferase; minus strand). Cytogenetic location: 16p13.3.
Variant type: Deletion.
Coding change: c.3676del on transcript NM_004380.3 (MANE Select); coding-DNA position 3676, one base deleted (G; older notation c.3676delG).
Protein change: p.Ala1226fs; shifts the reading frame from alanine 1226.
Molecular consequence: frameshift variant.
Genome position (GRCh38, 1-based): chr16:3,757,310, C deleted on the plus strand (G on the coding strand, the reverse complement: CREBBP is on the minus strand). VCF-style (leftmost placement, unchanged base first): chr16-3757309-GC-G. GRCh37 (hg19) VCF-style: chr16-3807310-GC-G.
Other names: c.3562del, p.Ala1188fs (NM_001079846.1); short protein forms A1188fs, A1226fs.
Identifiers: ClinVar variation 1070983 (VCV001070983.7), dbSNP rs2151381815, ClinGen allele CA2499223521.

ClinVar aggregate classification (germline): Pathogenic (1 of 4 stars; one submission).

Conditions:
Rubinstein-Taybi syndrome (RSTS). Identifiers: Orphanet 783, MedGen C0035934, MONDO:0019188.

Submission:

Labcorp Genetics (formerly Invitae), Labcorp
Classification: Pathogenic for Rubinstein-Taybi syndrome. Last evaluated: 2020-09-11. Review status: criteria provided, single submitter. Criteria: Invitae Variant Classification Sherloc (09022015). Collection method: clinical testing. Allele origin: germline.
Comment: For these reasons, this variant has been classified as Pathogenic. Loss-of-function variants in CREBBP are known to be pathogenic (PMID: 17052327, 18792986). This variant has not been reported in the literature in individuals with CREBBP-related conditions. This variant is not present in population databases (ExAC no frequency). This sequence change creates a premature translational stop signal (p.Ala1226Profs*24) in the CREBBP gene. It is expected to result in an absent or disrupted protein product.

Literature cited by the submitters: PubMed 17052327; PubMed 18792986.